The following is an entry in ClinVar:

NM_001270974.2(HYDIN):c.13614C>G (p.Pro4538=)

Gene: HYDIN (HYDIN axonemal central pair apparatus protein; minus strand). Cytogenetic location: 16q22.2.
Variant type: single nucleotide variant.
Coding change: c.13614C>G on transcript NM_001270974.2 (MANE Select); coding-DNA position 13614, C replaced by G.
Protein change: p.Pro4538=; no amino-acid change (proline 4538 retained).
Molecular consequence: synonymous variant.
Genome position (GRCh38, 1-based): chr16:70,833,952, G>C on the plus strand (C>G on the coding strand, the complement: HYDIN is on the minus strand). VCF-style: chr16-70833952-G-C. GRCh37 (hg19) VCF-style: chr16-70867855-G-C.
Identifiers: ClinVar variation 2646697 (VCV002646697.25), dbSNP rs202133666, ClinGen allele CA8148594.

ClinVar aggregate classification (germline): Likely benign. Review status: criteria provided, multiple submitters, no conflicts (2 of 4 stars). 2 submissions from 2 submitters: Likely benign (2). Last evaluated 2026-06-01.

Allele frequency attached by ClinVar (database versions not stated): 1000 Genomes Project 0.00200; 1000 Genomes Project 30x 0.00203; gnomAD 0.00357; ExAC 0.00368; TOPMed 0.00375; ESP Exome Variant Server 0.00406.
gnomAD v4.1: 8,518 of 1,613,252 alleles (0.53%); highest among the groups gnomAD compares: Non-Finnish European, 0.62%; 27 homozygotes.

Submissions (2):

CeGaT Center for Human Genetics Tuebingen
Classification: Likely benign. Last evaluated: 2026-06-01. Review status: criteria provided, single submitter. Criteria: CeGaT Center For Human Genetics Tuebingen Variant Classification Criteria Version 2. Collection method: clinical testing. Allele origin: germline. Affected: yes. Observed: 12 variant alleles.
Comment: HYDIN: BP4, BP7, BS2

Blueprint Genetics
Classification: Likely benign. Last evaluated: 2024-11-27. Review status: criteria provided, single submitter. Criteria: ACMG Guidelines, 2015. Collection method: clinical testing. Allele origin: germline.